The following is an entry in ClinVar:

NM_000276.4(OCRL):c.523C>T (p.Arg175Trp)

Gene: OCRL (OCRL inositol polyphosphate-5-phosphatase; plus strand). Cytogenetic location: Xq26.1.
Variant type: single nucleotide variant.
Coding change: c.523C>T on transcript NM_000276.4 (MANE Select); coding-DNA position 523, C replaced by T.
Protein change: p.Arg175Trp; replaces arginine 175 with tryptophan.
Molecular consequence: missense variant.
Genome position (GRCh38, 1-based): chrX:129,558,716, C>T. VCF-style: chrX-129558716-C-T. GRCh37 (hg19) VCF-style: chrX-128692693-C-T.
Other names: c.526C>T, p.Arg176Trp (NM_001318784.2); c.523C>T, p.Arg175Trp (NM_001587.4); short protein forms R175W, R176W.
Identifiers: ClinVar variation 3923809 (VCV003923809.2).

ClinVar aggregate classification (germline): Uncertain significance. Review status: criteria provided, multiple submitters, no conflicts (2 of 4 stars). 2 submissions from 2 submitters: Uncertain significance (2). Last evaluated 2025-04-06.

Conditions:
Lowe syndrome (OCRL). Also called: LOWE OCULOCEREBRORENAL SYNDROME; PHOSPHATIDYLINOSITOL 4,5-BISPHOSPHATE 5-PHOSPHATASE DEFICIENCY; Oculocerebrorenal Syndrome. Identifiers: Orphanet 534, MedGen C0028860, MONDO:0010645, OMIM 309000.
Nephrolithiasis/nephrocalcinosis. Identifiers: MedGen CN580796.

gnomAD v4.1: 15 of 1,210,082 alleles (0.0012%); highest among the groups gnomAD compares: East Asian, 0.0059%; no homozygotes.

Submissions (2):

Ambry Genetics
Classification: Uncertain significance for Nephrolithiasis/nephrocalcinosis. Last evaluated: 2025-04-06. Review status: criteria provided, single submitter. Criteria: Ambry Variant Classification Scheme 2023. Collection method: clinical testing. Allele origin: germline.

Labcorp Genetics (formerly Invitae), Labcorp
Classification: Uncertain significance for Lowe syndrome. Last evaluated: 2025-02-18. Review status: criteria provided, single submitter. Criteria: Invitae Variant Classification Sherloc (09022015). Collection method: clinical testing. Allele origin: germline.
Comment: This sequence change replaces arginine, which is basic and polar, with tryptophan, which is neutral and slightly polar, at codon 175 of the OCRL protein (p.Arg175Trp). This variant is present in population databases (rs139190121, gnomAD 0.004%). This variant has not been reported in the literature in individuals affected with OCRL-related conditions. Invitae Evidence Modeling of protein sequence and biophysical properties (such as structural, functional, and spatial information, amino acid conservation, physicochemical variation, residue mobility, and thermodynamic stability) indicates that this missense variant is not expected to disrupt OCRL protein function with a negative predictive value of 95%. In summary, the available evidence is currently insufficient to determine the role of this variant in disease. Therefore, it has been classified as a Variant of Uncertain Significance.